The following is an entry in ClinVar:

NM_001065.4(TNFRSF1A):c.590C>G (p.Pro197Arg)

Gene: TNFRSF1A (TNF receptor superfamily member 1A; minus strand). Cytogenetic location: 12p13.31.
Variant type: single nucleotide variant.
Coding change: c.590C>G on transcript NM_001065.4 (MANE Select); coding-DNA position 590, C replaced by G.
Protein change: p.Pro197Arg; replaces proline 197 with arginine.
Molecular consequence: missense variant.
Genome position (GRCh38, 1-based): chr12:6,330,888, G>C on the plus strand (C>G on the coding strand, the complement: TNFRSF1A is on the minus strand). VCF-style: chr12-6330888-G-C. GRCh37 (hg19) VCF-style: chr12-6440054-G-C.
Other names: c.266C>G, p.Pro89Arg (NM_001346091.2); c.131C>G, p.Pro44Arg (NM_001346092.2); short protein forms P197R, P89R, P44R.
Identifiers: ClinVar variation 2714429 (VCV002714429.3), dbSNP rs2497792817, ClinGen allele CA383548056.
Genomic context (GRCh38, chr12:6,330,888, plus strand): 5'-TGGGCACCAGGTCACTTCTCCTCACCTGAGTCCTCAGTGCCCTTAACATTCTCAATCTGG[G>C]GTAGGCACAACTTCGTGCACTCCAGGCTTTTCTTACAGCTAAAAGAAGAGACGGCACTGG-3'
Protein context (NP_001056.1, residues 187-207): KSLECTKLCL[Pro197Arg]QIENVKGTED

ClinVar aggregate classification (germline): Uncertain significance (1 of 4 stars; one submission).

Conditions:
TNF receptor-associated periodic fever syndrome (TRAPS) (FPF). Also called: FAMILIAL HIBERNIAN FEVER; TNF RECEPTOR-ASSOCIATED PERIODIC SYNDROME; TUMOR NECROSIS FACTOR RECEPTOR-ASSOCIATED PERIODIC SYNDROME; Autosomal Dominant Familial Periodic Fever; TNF Receptor-Associated Periodic Fever Syndrome; TNF receptor 1-associated periodic fever syndrome. Identifiers: Orphanet 32960, MedGen C1275126, MONDO:0007727, OMIM 142680.

Submission:

Labcorp Genetics (formerly Invitae), Labcorp
Classification: Uncertain significance for TNF receptor-associated periodic fever syndrome (TRAPS). Last evaluated: 2023-06-14. Review status: criteria provided, single submitter. Criteria: Invitae Variant Classification Sherloc (09022015). Collection method: clinical testing. Allele origin: germline.
Comment: This variant has not been reported in the literature in individuals affected with TNFRSF1A-related conditions. This variant is not present in population databases (gnomAD no frequency). This sequence change replaces proline, which is neutral and non-polar, with arginine, which is basic and polar, at codon 197 of the TNFRSF1A protein (p.Pro197Arg). Advanced modeling of protein sequence and biophysical properties (such as structural, functional, and spatial information, amino acid conservation, physicochemical variation, residue mobility, and thermodynamic stability) has been performed at Invitae for this missense variant, however the output from this modeling did not meet the statistical confidence thresholds required to predict the impact of this variant on TNFRSF1A protein function. In summary, the available evidence is currently insufficient to determine the role of this variant in disease. Therefore, it has been classified as a Variant of Uncertain Significance.